The following is an entry in ClinVar:

NM_000135.4(FANCA):c.1403A>C (p.Lys468Thr)

Gene: FANCA (FA complementation group A; minus strand). Cytogenetic location: 16q24.3.
Variant type: single nucleotide variant.
Coding change: c.1403A>C on transcript NM_000135.4 (MANE Select); coding-DNA position 1403, A replaced by C.
Protein change: p.Lys468Thr; replaces lysine 468 with threonine.
Molecular consequence: missense variant.
Genome position (GRCh38, 1-based): chr16:89,784,921, T>G on the plus strand (A>C on the coding strand, the complement: FANCA is on the minus strand). VCF-style: chr16-89784921-T-G. GRCh37 (hg19) VCF-style: chr16-89851329-T-G.
Other names: c.1403A>C, p.Lys468Thr (NM_001286167.3); short protein forms K468T.
Identifiers: ClinVar variation 1487184 (VCV001487184.6), dbSNP rs1598140745, ClinGen allele CA397460002.

ClinVar aggregate classification (germline): Uncertain significance (1 of 4 stars; one submission).

Conditions:
Fanconi anemia (FA). Also called: Fanconi's anemia. Identifiers: Orphanet 84, MedGen C0015625, MeSH D005199, MONDO:0019391.

Submission:

Labcorp Genetics (formerly Invitae), Labcorp
Classification: Uncertain significance for Fanconi anemia. Last evaluated: 2021-11-10. Review status: criteria provided, single submitter. Criteria: Invitae Variant Classification Sherloc (09022015). Collection method: clinical testing. Allele origin: germline.
Comment: This variant has not been reported in the literature in individuals affected with FANCA-related conditions. Advanced modeling of protein sequence and biophysical properties (such as structural, functional, and spatial information, amino acid conservation, physicochemical variation, residue mobility, and thermodynamic stability) performed at Invitae indicates that this missense variant is expected to disrupt FANCA protein function. In summary, the available evidence is currently insufficient to determine the role of this variant in disease. Therefore, it has been classified as a Variant of Uncertain Significance. This variant is not present in population databases (gnomAD no frequency). This sequence change replaces lysine, which is basic and polar, with threonine, which is neutral and polar, at codon 468 of the FANCA protein (p.Lys468Thr).